The following is an entry in ClinVar:

NM_007294.4(BRCA1):c.4711T>A (p.Phe1571Ile)

Gene: BRCA1 (BRCA1 DNA repair associated; minus strand). Cytogenetic location: 17q21.31.
Variant type: single nucleotide variant.
Coding change: c.4711T>A on transcript NM_007294.4 (MANE Select); coding-DNA position 4711, T replaced by A.
Protein change: p.Phe1571Ile; replaces phenylalanine 1571 with isoleucine.
Molecular consequence: missense variant. On other transcripts: non-coding transcript variant (1).
Genome position (GRCh38, 1-based): chr17:43,071,203, A>T on the plus strand (T>A on the coding strand, the complement: BRCA1 is on the minus strand). VCF-style: chr17-43071203-A-T. GRCh37 (hg19) VCF-style: chr17-41223220-A-T.
Other names: c.4708T>A, p.Phe1570Ile (NM_001407858.1, NM_001407859.1, NM_001407860.1 and 17 more transcripts); c.4705T>A, p.Phe1569Ile (NM_001407861.1, NM_001407627.1, NM_001407628.1 and 14 more transcripts); c.4510T>A, p.Phe1504Ile (NM_001407862.1); c.4585T>A, p.Phe1529Ile (NM_001407863.1, NM_001407939.1, NM_001407940.1 and 11 more transcripts); c.4504T>A, p.Phe1502Ile (NM_001407874.1, NM_001407875.1); c.4501T>A, p.Phe1501Ile (NM_001407879.1, NM_001407881.1, NM_001407882.1 and 5 more transcripts); c.4498T>A, p.Phe1500Ile (NM_001407894.1, NM_001407895.1, NM_001407896.1 and 12 more transcripts); c.4495T>A, p.Phe1499Ile (NM_001407915.1, NM_001407916.1, NM_001407917.1 and 1 more transcripts); and 70 more; short protein forms F1275I, F1444I, F1482I, F1501I, F1523I, F1530I, F1544I, F1552I.
Identifiers: ClinVar variation 1952868 (VCV001952868.8), dbSNP rs2052423396, ClinGen allele CA10592089.

ClinVar aggregate classification (germline): Uncertain significance. Review status: criteria provided, multiple submitters, no conflicts (2 of 4 stars). 3 submissions from 3 submitters: Uncertain significance (3). Last evaluated 2025-01-26.

Conditions:
Hereditary cancer-predisposing syndrome. Also called: Hereditary neoplastic syndrome; Tumor predisposition; Hereditary Cancer Syndrome; Neoplastic Syndromes, Hereditary. Identifiers: Orphanet 140162, MedGen C0027672, MeSH D009386, MONDO:0015356.
Hereditary breast ovarian cancer syndrome. Also called: Hereditary breast and ovarian cancer syndrome (HBOC); Hereditary breast and ovarian cancer; Hereditary breast and/or ovarian cancer syndrome; BRCA1- and BRCA2-Associated Hereditary Breast and Ovarian Cancer; Hereditary breast and ovarian cancer syndrome; Breast and ovarian cancer. Identifiers: Orphanet 145, MedGen C0677776, MeSH D061325, MONDO:0003582. Disease mechanism: loss of function.

Submissions (3):

Ambry Genetics
Classification: Uncertain significance for Hereditary cancer-predisposing syndrome. Last evaluated: 2025-01-26. Review status: criteria provided, single submitter. Criteria: Ambry Variant Classification Scheme 2023. Collection method: clinical testing. Allele origin: germline.
Comment: The p.F1571I variant (also known as c.4711T>A), located in coding exon 14 of the BRCA1 gene, results from a T to A substitution at nucleotide position 4711. The phenylalanine at codon 1571 is replaced by isoleucine, an amino acid with highly similar properties. This amino acid position is conserved. In addition, the in silico prediction for this alteration is inconclusive. Based on the available evidence, the clinical significance of this variant remains unclear.

Color Diagnostics, LLC DBA Color Health
Classification: Uncertain significance for Hereditary cancer-predisposing syndrome. Last evaluated: 2022-10-31. Review status: criteria provided, single submitter. Criteria: ACMG Guidelines, 2015. Collection method: clinical testing. Allele origin: germline.
Comment: This missense variant replaces phenylalanine with isoleucine at codon 1571 of the BRCA1 protein. Computational prediction is inconclusive regarding the impact of this variant on protein structure and function (internally defined REVEL score threshold 0.5 < inconclusive < 0.7, PMID: 27666373). To our knowledge, functional studies have not been reported for this variant. This variant has not been reported in individuals affected with hereditary cancer in the literature. This variant has not been identified in the general population by the Genome Aggregation Database (gnomAD). The available evidence is insufficient to determine the role of this variant in disease conclusively. Therefore, this variant is classified as a Variant of Uncertain Significance.

Labcorp Genetics (formerly Invitae), Labcorp
Classification: Uncertain significance for Hereditary breast ovarian cancer syndrome. Last evaluated: 2022-08-22. Review status: criteria provided, single submitter. Criteria: Invitae Variant Classification Sherloc (09022015). Collection method: clinical testing. Allele origin: germline.
Comment: In summary, the available evidence is currently insufficient to determine the role of this variant in disease. Therefore, it has been classified as a Variant of Uncertain Significance. Advanced modeling of protein sequence and biophysical properties (such as structural, functional, and spatial information, amino acid conservation, physicochemical variation, residue mobility, and thermodynamic stability) performed at Invitae indicates that this missense variant is not expected to disrupt BRCA1 protein function. This variant has not been reported in the literature in individuals affected with BRCA1-related conditions. This variant is not present in population databases (gnomAD no frequency). This sequence change replaces phenylalanine, which is neutral and non-polar, with isoleucine, which is neutral and non-polar, at codon 1571 of the BRCA1 protein (p.Phe1571Ile).